The following is an entry in ClinVar:

NM_000535.7(PMS2):c.1832T>C (p.Ile611Thr)

Gene: PMS2 (PMS1 homolog 2, mismatch repair system component; minus strand). Cytogenetic location: 7p22.1.
Variant type: single nucleotide variant.
Coding change: c.1832T>C on transcript NM_000535.7 (MANE Select); coding-DNA position 1832, T replaced by C.
Protein change: p.Ile611Thr; replaces isoleucine 611 with threonine.
Molecular consequence: missense variant. On other transcripts: non-coding transcript variant (1).
Genome position (GRCh38, 1-based): chr7:5,986,933, A>G on the plus strand (T>C on the coding strand, the complement: PMS2 is on the minus strand). VCF-style: chr7-5986933-A-G. GRCh37 (hg19) VCF-style: chr7-6026564-A-G.
Other names: c.1427T>C, p.Ile476Thr (NM_001322003.2, NM_001322004.2, NM_001322005.2 and 1 more transcripts); c.1676T>C, p.Ile559Thr (NM_001322006.2); c.1514T>C, p.Ile505Thr (NM_001322007.2, NM_001322008.2); c.1271T>C, p.Ile424Thr (NM_001322010.2); c.899T>C, p.Ile300Thr (NM_001322011.2, NM_001322012.2); c.1259T>C, p.Ile420Thr (NM_001322013.2); c.1832T>C, p.Ile611Thr (NM_001322014.2); c.1523T>C, p.Ile508Thr (NM_001322015.2); short protein forms I300T, I424T, I420T, I508T, I476T, I505T, I559T, I611T.
Identifiers: ClinVar variation 924792 (VCV000924792.4), dbSNP rs1782966912, ClinGen allele CA366739677.

ClinVar aggregate classification (germline): Uncertain significance (1 of 4 stars; one submission).

Conditions:
Hereditary cancer-predisposing syndrome. Also called: Neoplastic Syndromes, Hereditary; Tumor predisposition; Hereditary Cancer Syndrome; Hereditary neoplastic syndrome. Identifiers: Orphanet 140162, MedGen C0027672, MeSH D009386, MONDO:0015356.

Submission:

Color Diagnostics, LLC DBA Color Health
Classification: Uncertain significance for Hereditary cancer-predisposing syndrome. Last evaluated: 2023-12-05. Review status: criteria provided, single submitter. Criteria: ACMG Guidelines, 2015. Collection method: clinical testing. Allele origin: germline.
Comment: This missense variant replaces isoleucine with threonine at codon 611 of the PMS2 protein. Computational prediction suggests that this variant may not impact protein structure and function (internally defined REVEL score threshold <= 0.5, PMID: 27666373). To our knowledge, functional studies have not been reported for this variant. This variant has not been reported in individuals affected with PMS2-related disorders in the literature. This variant has not been identified in the general population by the Genome Aggregation Database (gnomAD). The available evidence is insufficient to determine the role of this variant in disease conclusively. Therefore, this variant is classified as a Variant of Uncertain Significance.